The following is an entry in ClinVar:

NM_000059.4(BRCA2):c.9977A>C (p.Lys3326Thr)

Gene: BRCA2 (BRCA2 DNA repair associated; plus strand). Cytogenetic location: 13q13.1.
Variant type: single nucleotide variant.
Coding change: c.9977A>C on transcript NM_000059.4 (MANE Select); coding-DNA position 9977, A replaced by C.
Protein change: p.Lys3326Thr; replaces lysine 3326 with threonine.
Molecular consequence: missense variant.
Genome position (GRCh38, 1-based): chr13:32,398,490, A>C. VCF-style: chr13-32398490-A-C. GRCh37 (hg19) VCF-style: chr13-32972627-A-C.
Other names: short protein forms K3326T.
Identifiers: ClinVar variation 483000 (VCV000483000.9), dbSNP rs1446054495, ClinGen allele CA387767514.

ClinVar aggregate classification (germline): Uncertain significance. Review status: criteria provided, multiple submitters, no conflicts (2 of 4 stars). 3 submissions from 3 submitters: Uncertain significance (3). Last evaluated 2025-10-30.

Conditions:
Hereditary cancer-predisposing syndrome. Also called: Neoplastic Syndromes, Hereditary; Tumor predisposition; Hereditary Cancer Syndrome; Hereditary neoplastic syndrome. Identifiers: Orphanet 140162, MedGen C0027672, MeSH D009386, MONDO:0015356.
Hereditary breast ovarian cancer syndrome. Also called: Hereditary breast and ovarian cancer syndrome; Hereditary breast and ovarian cancer; Hereditary breast and ovarian cancer syndrome (HBOC); Breast and ovarian cancer; Hereditary breast and/or ovarian cancer syndrome; BRCA1- and BRCA2-Associated Hereditary Breast and Ovarian Cancer. Identifiers: Orphanet 145, MedGen C0677776, MeSH D061325, MONDO:0003582. Disease mechanism: loss of function.

Submissions (3):

Women's Health and Genetics/Laboratory Corporation of America, LabCorp
Classification: Uncertain significance. Last evaluated: 2025-10-30. Review status: criteria provided, single submitter. Criteria: LabCorp Variant Classification Summary - May 2015. Collection method: clinical testing. Allele origin: germline.

Labcorp Genetics (formerly Invitae), Labcorp
Classification: Uncertain significance for Hereditary breast ovarian cancer syndrome. Last evaluated: 2024-11-19. Review status: criteria provided, single submitter. Criteria: Invitae Variant Classification Sherloc (09022015). Collection method: clinical testing. Allele origin: germline.
Comment: This sequence change replaces lysine, which is basic and polar, with threonine, which is neutral and polar, at codon 3326 of the BRCA2 protein (p.Lys3326Thr). This variant is not present in population databases (gnomAD no frequency). This variant has not been reported in the literature in individuals affected with BRCA2-related conditions. ClinVar contains an entry for this variant (Variation ID: 483000). Invitae Evidence Modeling of protein sequence and biophysical properties (such as structural, functional, and spatial information, amino acid conservation, physicochemical variation, residue mobility, and thermodynamic stability) indicates that this missense variant is not expected to disrupt BRCA2 protein function with a negative predictive value of 95%. In summary, the available evidence is currently insufficient to determine the role of this variant in disease. Therefore, it has been classified as a Variant of Uncertain Significance.

Ambry Genetics
Classification: Uncertain significance for Hereditary cancer-predisposing syndrome. Last evaluated: 2016-01-21. Review status: criteria provided, single submitter. Criteria: Ambry Variant Classification Scheme 2023. Collection method: clinical testing. Allele origin: germline.
Comment: The p.K3326T variant (also known as c.9977A>C), located in coding exon 26 of the BRCA2 gene, results from an A to C substitution at nucleotide position 9977. The lysine at codon 3326 is replaced by threonine, an amino acid with similar properties. This variant was not reported in population based cohorts in the following databases: Database of Single Nucleotide Polymorphisms (dbSNP), NHLBI Exome Sequencing Project (ESP), and 1000 Genomes Project. In the ESP, this variant was not observed in 6503 samples (13006 alleles) with coverage at this position. To date, this alteration has been detected with an allele frequency of approximately 0.0004% (greater than 225000 alleles tested) in our clinical cohort. This amino acid position is not well conserved in available vertebrate species. In addition, this alteration is predicted to be tolerated by in silico analysis. Since supporting evidence is limited at this time, the clinical significance of this alteration remains unclear.